The following is an entry in ClinVar:

ClinVar aggregate classification (germline): Uncertain significance. Review status: criteria provided, multiple submitters, no conflicts (2 of 4 stars). 2 submissions from 2 submitters: Uncertain significance (2). Last evaluated 2025-03-01.

gnomAD v4.1: 31 of 1,572,304 alleles (0.002%); highest among the groups gnomAD compares: East Asian, 0.018%; no homozygotes.

Submissions (2):

Ambry Genetics
Classification: Uncertain significance. Last evaluated: 2025-03-01. Review status: criteria provided, single submitter. Criteria: Ambry Variant Classification Scheme 2023. Collection method: clinical testing. Allele origin: germline.

Labcorp Genetics (formerly Invitae), Labcorp
Classification: Uncertain significance. Last evaluated: 2024-07-13. Review status: criteria provided, single submitter. Criteria: Invitae Variant Classification Sherloc (09022015). Collection method: clinical testing. Allele origin: germline.
Comment: This sequence change replaces valine, which is neutral and non-polar, with methionine, which is neutral and non-polar, at codon 4215 of the FAT2 protein (p.Val4215Met). This variant is present in population databases (rs779921101, gnomAD 0.04%). This variant has not been reported in the literature in individuals affected with FAT2-related conditions. An algorithm developed to predict the effect of missense changes on protein structure and function outputs the following: PolyPhen-2: "Benign". The methionine amino acid residue is found in multiple mammalian species, which suggests that this missense change does not adversely affect protein function. In summary, the available evidence is currently insufficient to determine the role of this variant in disease. Therefore, it has been classified as a Variant of Uncertain Significance.

NM_001447.3(FAT2):c.12643G>A (p.Val4215Met)

Genes: FAT2 (FAT atypical cadherin 2; minus strand), SLC36A1 (solute carrier family 36 member 1; plus strand). Cytogenetic location: 5q33.1.
Variant type: single nucleotide variant.
Coding change: c.12643G>A on transcript NM_001447.3 (MANE Select); coding-DNA position 12643, G replaced by A.
Protein change: p.Val4215Met; replaces valine 4215 with methionine.
Molecular consequence: missense variant.
Genome position (GRCh38, 1-based): chr5:151,505,972, C>T on the plus strand (G>A on the coding strand, the complement: FAT2 is on the minus strand). VCF-style: chr5-151505972-C-T. GRCh37 (hg19) VCF-style: chr5-150885533-C-T.
Other names: c.12643G>A (NM_001447.2); short protein forms V4215M.
Identifiers: ClinVar variation 3642632 (VCV003642632.3).